The following is an entry in ClinVar:

ClinVar aggregate classification (germline): Uncertain significance (1 of 4 stars; one submission).

Submission:

GeneDx
Classification: Uncertain significance. Last evaluated: 2023-11-09. Review status: criteria provided, single submitter. Criteria: GeneDx Variant Classification Process June 2021. Collection method: clinical testing. Allele origin: germline. Affected: yes.
Comment: Not observed at significant frequency in large population cohorts (gnomAD); In silico analysis supports that this missense variant does not alter protein structure/function; Has not been previously published as pathogenic or benign to our knowledge; Not located in the triple helical region, where the majority of pathogenic missense variants occur (PMID: 22696272); This variant is associated with the following publications: (PMID: 32906206, 22696272)

NM_000393.5(COL5A2):c.329G>A (p.Gly110Glu)

Gene: COL5A2 (collagen type V alpha 2 chain; minus strand). Cytogenetic location: 2q32.2.
Variant type: single nucleotide variant.
Coding change: c.329G>A on transcript NM_000393.5 (MANE Select); coding-DNA position 329, G replaced by A.
Protein change: p.Gly110Glu; replaces glycine 110 with glutamic acid.
Molecular consequence: missense variant.
Genome position (GRCh38, 1-based): chr2:189,104,271, C>T on the plus strand (G>A on the coding strand, the complement: COL5A2 is on the minus strand). VCF-style: chr2-189104271-C-T. GRCh37 (hg19) VCF-style: chr2-189968997-C-T.
Other names: p.G110E:GGA>GAA; short protein forms G110E.
Identifiers: ClinVar variation 213137 (VCV000213137.3), dbSNP rs863223501, ClinGen allele CA322960.